The following is an entry in ClinVar:

ClinVar aggregate classification (germline): Uncertain significance. Review status: criteria provided, multiple submitters, no conflicts (2 of 4 stars). 3 submissions from 3 submitters: Uncertain significance (3). Last evaluated 2024-01-24.

Conditions:
Chondrodysplasia punctata, brachytelephalangic, autosomal. Also called: BRACHYTELEPHALANGIC CHONDRODYSPLASIA PUNCTATA. Identifiers: MedGen C1844853, MONDO:0011238, OMIM 602497.
X-linked chondrodysplasia punctata 1 (CDPX1). Also called: CHONDRODYSPLASIA PUNCTATA, BRACHYTELEPHALANGIC; Chondrodysplasia punctata, X-linked recessive. Identifiers: Orphanet 79345, MedGen C3669395, MONDO:0010555, OMIM 302950.

Allele frequency attached by ClinVar (database versions not stated): ExAC 0.00001; gnomAD 0.00002 and 0.00003; gnomAD exomes 0.00003; TOPMed 0.00003; ESP Exome Variant Server 0.00009.
gnomAD v4.1: 32 of 1,208,722 alleles (0.0026%); highest among the groups gnomAD compares: South Asian, 0.0053%; no homozygotes.

Submissions (3):

Labcorp Genetics (formerly Invitae), Labcorp
Classification: Uncertain significance for Chondrodysplasia punctata, brachytelephalangic, autosomal. Last evaluated: 2024-01-24. Review status: criteria provided, single submitter. Criteria: Invitae Variant Classification Sherloc (09022015). Collection method: clinical testing. Allele origin: germline.
Comment: This sequence change replaces glycine, which is neutral and non-polar, with serine, which is neutral and polar, at codon 356 of the ARSE protein (p.Gly356Ser). This variant is present in population databases (rs372625507, gnomAD 0.006%). This variant has not been reported in the literature in individuals affected with ARSE-related conditions. ClinVar contains an entry for this variant (Variation ID: 1683187). Advanced modeling of protein sequence and biophysical properties (such as structural, functional, and spatial information, amino acid conservation, physicochemical variation, residue mobility, and thermodynamic stability) has been performed at Invitae for this missense variant, however the output from this modeling did not meet the statistical confidence thresholds required to predict the impact of this variant on ARSE protein function. In summary, the available evidence is currently insufficient to determine the role of this variant in disease. Therefore, it has been classified as a Variant of Uncertain Significance.

Blueprint Genetics
Classification: Uncertain significance. Last evaluated: 2022-08-23. Review status: criteria provided, single submitter. Criteria: ACMG Guidelines, 2015. Collection method: clinical testing. Allele origin: germline.

Juno Genomics, Hangzhou Juno Genomics, Inc
Classification: Uncertain significance for X-linked chondrodysplasia punctata 1. Review status: criteria provided, single submitter. Criteria: ACMG Guidelines, 2015. Collection method: clinical testing. Allele origin: germline.
Comment: Absent from controls (or at extremely low frequency if recessive) in Genome Aggregation Database.

NM_000047.3(ARSL):c.1066G>A (p.Gly356Ser)

Gene: ARSL (arylsulfatase L; minus strand). Cytogenetic location: Xp22.33.
Variant type: single nucleotide variant.
Coding change: c.1066G>A on transcript NM_000047.3 (MANE Select); coding-DNA position 1066, G replaced by A.
Protein change: p.Gly356Ser; replaces glycine 356 with serine.
Molecular consequence: missense variant.
Genome position (GRCh38, 1-based): chrX:2,943,125, C>T on the plus strand (G>A on the coding strand, the complement: ARSL is on the minus strand). VCF-style: chrX-2943125-C-T. GRCh37 (hg19) VCF-style: chrX-2861166-C-T.
Other names: c.1141G>A, p.Gly381Ser (NM_001282628.2, NM_001369080.1); c.904G>A, p.Gly302Ser (NM_001282631.2); c.1093G>A, p.Gly365Ser (NM_001369079.1); short protein forms G302S, G356S, G365S, G381S.
Identifiers: ClinVar variation 1683187 (VCV001683187.11), dbSNP rs372625507, ClinGen allele CA10338082.